The following is an entry in ClinVar:

ClinVar aggregate classification (germline): Likely benign. Review status: criteria provided, multiple submitters, no conflicts (2 of 4 stars). 2 submissions from 2 submitters: Likely benign (2). Last evaluated 2025-05-16.

Conditions:
SCAF4-related disorder. Also called: SCAF4-related condition.

Submissions (2):

PreventionGenetics, part of Exact Sciences
Classification: Likely benign for SCAF4-related condition. Last evaluated: 2025-05-16. Review status: criteria provided, single submitter. Criteria: ACMG Guidelines, 2015. Collection method: clinical testing. Allele origin: germline.
Comment: This variant is classified as likely benign based on ACMG/AMP sequence variant interpretation guidelines (Richards et al. 2015 PMID: 25741868, with internal and published modifications).

CeGaT Center for Human Genetics Tuebingen
Classification: Likely benign. Last evaluated: 2025-02-01. Review status: criteria provided, single submitter. Criteria: CeGaT Center For Human Genetics Tuebingen Variant Classification Criteria Version 2. Collection method: clinical testing. Allele origin: germline. Affected: yes. Observed: 1 variant allele.
Comment: SCAF4: BS1

NM_020706.2(SCAF4):c.2877_2879del (p.Gln966del)

Gene: SCAF4 (SR-related CTD associated factor 4; minus strand). Cytogenetic location: 21q22.11.
Variant type: Deletion.
Coding change: c.2877_2879del on transcript NM_020706.2 (MANE Select); coding-DNA positions 2877 to 2879, 3 bases deleted (ACA; older notation c.2877_2879delACA).
Protein change: p.Gln966del; deletes glutamine 966.
Genome position (GRCh38, 1-based): chr21:31,671,964-31,671,966, TGT deleted on the plus strand (ACA on the coding strand, the reverse complement: SCAF4 is on the minus strand). VCF-style (leftmost placement, unchanged base first): chr21-31671963-CTGT-C. GRCh37 (hg19) VCF-style: chr21-33044276-CTGT-C.
Other names: c.2832_2834del, p.Gln951del (NM_001145444.1); c.2811_2813del, p.Gln944del (NM_001145445.1); c.2877_2879delACA (NM_020706.2); short protein forms Q944del, Q951del, Q966del.
Identifiers: ClinVar variation 3770398 (VCV003770398.14).
Genomic context (GRCh38, chr21:31,671,963, plus strand): 5'-TGGCTGCTGCTGTGTTGGTGGAGGCTGTTGTGATGGTGGTGGCTGCTGCTGCTGCTGCTG[CTGT>C]GGTTGCTGGGGCGCCTGCGGCTGTGGCTGCTGCTGTGGCTGCTGCGGCGGCTGTTGCCTT-3'